The following is an entry in ClinVar:

NM_001393392.1(AKR1C2):c.85-1G>C

Gene: AKR1C2 (aldo-keto reductase family 1 member C2; minus strand). Cytogenetic location: 10p15.1.
Variant type: single nucleotide variant.
Coding change: c.85-1G>C on transcript NM_001393392.1 (MANE Select); the canonical splice acceptor site of the intron before coding-DNA position 85, G replaced by C.
Molecular consequence: splice acceptor variant.
Genome position (GRCh38, 1-based): chr10:5,001,682, C>G on the plus strand (G>C on the coding strand, the complement: AKR1C2 is on the minus strand). VCF-style: chr10-5001682-C-G. GRCh37 (hg19) VCF-style: chr10-5043874-C-G.
Other names: c.85-1G>C (NM_205845.3, NM_001354.6, NM_001321027.2 and 1 more transcripts).
Identifiers: ClinVar variation 2634909 (VCV002634909.1), dbSNP rs565642871, ClinGen allele CA5390259.
Genomic context (GRCh38, chr10:5,001,682, plus strand): 5'-ATGGTGGAACCCGGCTTCTATTGCCAATTTGACGGCCTCTAGAGCTTTACTTTTAGGAAC[C>G]TGGGGGAGCAACCAAACGTAATATTTTCTGACTAATGTGCCTGAGAGTTAGTTCGGGCAC-3'

ClinVar aggregate classification (germline): Uncertain significance (1 of 4 stars; one submission).

Conditions:
AKR1C2-related disorder. Also called: AKR1C2-related condition.

Allele frequency attached by ClinVar (database versions not stated): gnomAD 0.00004; ExAC 0.00019; 1000 Genomes Project 0.00040; 1000 Genomes Project 30x 0.00047.
gnomAD v4.1: 91 of 1,613,630 alleles (0.0056%); highest among the groups gnomAD compares: South Asian, 0.087%; no homozygotes.

Submission:

PreventionGenetics, part of Exact Sciences
Classification: Uncertain significance for AKR1C2-related condition. Last evaluated: 2022-10-04. Review status: criteria provided, single submitter. Criteria: ACMG Guidelines, 2015. Collection method: clinical testing. Allele origin: germline.
Comment: The AKR1C2 c.85-1G>C variant is predicted to disrupt the AG splice acceptor site and interfere with normal splicing. To our knowledge, this variant has not been reported in the literature. This variant is reported in 0.10% of alleles in individuals of South Asian descent in gnomAD. Loss of function is not an established mechanism for AKR1C2-related disease. At this time, the clinical significance of this variant is uncertain due to the absence of conclusive functional and genetic evidence.